The following is an entry in ClinVar:

NM_004738.5(VAPB):c.13G>A (p.Glu5Lys)

Gene: VAPB (VAMP associated protein B and C; plus strand). Cytogenetic location: 20q13.32.
Variant type: single nucleotide variant.
Coding change: c.13G>A on transcript NM_004738.5 (MANE Select); coding-DNA position 13, G replaced by A.
Protein change: p.Glu5Lys; replaces glutamic acid 5 with lysine.
Molecular consequence: missense variant. On other transcripts: non-coding transcript variant (1).
Genome position (GRCh38, 1-based): chr20:58,389,472, G>A. VCF-style: chr20-58389472-G-A. GRCh37 (hg19) VCF-style: chr20-56964528-G-A.
Other names: c.13G>A, p.Glu5Lys (NM_001195677.2); c.13G>A (NM_004738.4); short protein forms E5K.
Identifiers: ClinVar variation 1371919 (VCV001371919.11), dbSNP rs777026649, ClinGen allele CA9924136.

ClinVar aggregate classification (germline): Uncertain significance. Review status: criteria provided, multiple submitters, no conflicts (2 of 4 stars). 2 submissions from 2 submitters: Uncertain significance (2). Last evaluated 2024-11-25.

Conditions:
Inborn genetic diseases. Identifiers: MedGen C0950123, MeSH D030342.
Amyotrophic lateral sclerosis type 8 (ALS8). Identifiers: Orphanet 803, MedGen C1837728, MONDO:0012077, OMIM 608627.
Adult-onset proximal spinal muscular atrophy, autosomal dominant. Also called: Spinal muscular atrophy, late-onset, finkel type; FINKEL LATE-ADULT TYPE SMA. Identifiers: Orphanet 209335, MedGen C1854058, MONDO:0008453, OMIM 182980.

Allele frequency attached by ClinVar (database versions not stated): gnomAD exomes below 0.00001; ExAC 0.00002.
gnomAD v4.1: 15 of 1,597,150 alleles (0.00094%); highest among the groups gnomAD compares: South Asian, 0.0011%; no homozygotes.

Submissions (2):

Ambry Genetics
Classification: Uncertain significance for Inborn genetic diseases. Last evaluated: 2024-11-25. Review status: criteria provided, single submitter. Criteria: Ambry Variant Classification Scheme 2023. Collection method: clinical testing. Allele origin: germline.

Labcorp Genetics (formerly Invitae), Labcorp
Classification: Uncertain significance for Adult-onset proximal spinal muscular atrophy, autosomal dominant; Amyotrophic lateral sclerosis type 8. Last evaluated: 2024-06-25. Review status: criteria provided, single submitter. Criteria: Invitae Variant Classification Sherloc (09022015). Collection method: clinical testing. Allele origin: germline.
Comment: This sequence change replaces glutamic acid, which is acidic and polar, with lysine, which is basic and polar, at codon 5 of the VAPB protein (p.Glu5Lys). The frequency data for this variant in the population databases is considered unreliable, as metrics indicate poor data quality at this position in the gnomAD database. This variant has not been reported in the literature in individuals affected with VAPB-related conditions. ClinVar contains an entry for this variant (Variation ID: 1371919). An algorithm developed to predict the effect of missense changes on protein structure and function (PolyPhen-2) suggests that this variant is likely to be tolerated. In summary, the available evidence is currently insufficient to determine the role of this variant in disease. Therefore, it has been classified as a Variant of Uncertain Significance.